The following is an entry in ClinVar:

NM_017849.4(TMEM127):c.124dup (p.Thr42fs)

Genes: TMEM127 (transmembrane protein 127; minus strand), LOC129934333 (ATAC-STARR-seq lymphoblastoid silent region 11759; plus strand). Cytogenetic location: 2q11.2.
Variant type: Duplication.
Coding change: c.124dup on transcript NM_017849.4 (MANE Select); coding-DNA position 124, one base duplicated (A; older notation c.124dupA).
Protein change: p.Thr42fs; shifts the reading frame from threonine 42.
Molecular consequence: frameshift variant. On other transcripts: intron variant (1).
Genome position (GRCh38, 1-based): chr2:96,265,258, T duplicated on the plus strand (A on the coding strand, the reverse complement: TMEM127 is on the minus strand). VCF-style (leftmost placement, unchanged base first): chr2-96265257-G-GT. GRCh37 (hg19) VCF-style: chr2-96930995-G-GT.
Other names: c.124dup, p.Thr42fs (NM_001193304.3); c.-9+611dup (NM_001407283.1); short protein forms T42fs.
Identifiers: ClinVar variation 2827670 (VCV002827670.3), dbSNP rs2467285670, ClinGen allele CA2739271178.

ClinVar aggregate classification (germline): Pathogenic (1 of 4 stars; one submission).

Conditions:
Hereditary pheochromocytoma and paraganglioma. Also called: Hereditary paragangliomas and pheochromocytomas; Hereditary Paraganglioma-Pheochromocytoma Syndromes; Hereditary pheochromocytoma-paraganglioma. Identifiers: Orphanet 29072, MedGen C4274332, MONDO:0017366.

Submission:

Labcorp Genetics (formerly Invitae), Labcorp
Classification: Pathogenic for Hereditary pheochromocytoma and paraganglioma. Last evaluated: 2023-01-11. Review status: criteria provided, single submitter. Criteria: Invitae Variant Classification Sherloc (09022015). Collection method: clinical testing. Allele origin: germline.
Comment: This sequence change creates a premature translational stop signal (p.Thr42Asnfs*66) in the TMEM127 gene. It is expected to result in an absent or disrupted protein product. Loss-of-function variants in TMEM127 are known to be pathogenic (PMID: 20154675, 21156949). This variant is not present in population databases (gnomAD no frequency). This variant has not been reported in the literature in individuals affected with TMEM127-related conditions. For these reasons, this variant has been classified as Pathogenic.

Literature cited by the submitters: PubMed 20154675; PubMed 21156949.